The following is an entry in ClinVar:

ClinVar aggregate classification (germline): Uncertain significance. Review status: criteria provided, multiple submitters, no conflicts (2 of 4 stars). 2 submissions from 2 submitters: Uncertain significance (2). Last evaluated 2025-03-06.

Allele frequency attached by ClinVar (database versions not stated): gnomAD exomes 0.00009; TOPMed 0.00016; gnomAD 0.00029 and 0.00031.
gnomAD v4.1: 304 of 1,357,008 alleles (0.022%); highest among the groups gnomAD compares: Middle Eastern, 0.027%; no homozygotes.

Submissions (2):

Ambry Genetics
Classification: Uncertain significance. Last evaluated: 2025-03-06. Review status: criteria provided, single submitter. Criteria: Ambry Variant Classification Scheme 2023. Collection method: clinical testing. Allele origin: germline.

Women's Health and Genetics/Laboratory Corporation of America, LabCorp
Classification: Uncertain significance. Last evaluated: 2022-05-11. Review status: criteria provided, single submitter. Criteria: LabCorp Variant Classification Summary - May 2015. Collection method: clinical testing. Allele origin: germline.
Comment: Variant summary: PDCD2 c.82C>T (p.Pro28Ser) results in a non-conservative amino acid change in the encoded protein sequence. Three of five in-silico tools predict a damaging effect of the variant on protein function. The variant allele was found at a frequency of 9e-05 in 33292 control chromosomes. The available data on variant occurrences in the general population are insufficient to allow any conclusion about variant significance. To our knowledge, no occurrence of c.82C>T in individuals affected with PDCD2-Related Disorders and no experimental evidence demonstrating its impact on protein function have been reported. No clinical diagnostic laboratories have submitted clinical-significance assessments for this variant to ClinVar after 2014. Based on the evidence outlined above, the variant was classified as uncertain significance.

NM_002598.4(PDCD2):c.82C>T (p.Pro28Ser)

Genes: PDCD2 (programmed cell death 2; minus strand), LOC129997717 (ATAC-STARR-seq lymphoblastoid silent region 17802; plus strand). Cytogenetic location: 6q27.
Variant type: single nucleotide variant.
Coding change: c.82C>T on transcript NM_002598.4 (MANE Select); coding-DNA position 82, C replaced by T.
Protein change: p.Pro28Ser; replaces proline 28 with serine.
Molecular consequence: missense variant.
Genome position (GRCh38, 1-based): chr6:170,584,500, G>A on the plus strand (C>T on the coding strand, the complement: PDCD2 is on the minus strand). VCF-style: chr6-170584500-G-A. GRCh37 (hg19) VCF-style: chr6-170893588-G-A.
Other names: c.82C>T, p.Pro28Ser (NM_001199461.2, NM_001199462.2, NM_001199463.2 and 3 more transcripts); short protein forms P28S.
Identifiers: ClinVar variation 1696216 (VCV001696216.5), dbSNP rs773036976, ClinGen allele CA152244479.
Genomic context (GRCh38, chr6:170,584,500, plus strand): 5'-CCTGGGGCCCCGGCAGCCCGGCCGCGCCCAGCCATGCCGGCCGCCCGCCCACCTTGCTGG[G>A]GAACTGCTCGCTGCGCAGTCGCCACGCCGGCGCCGACTCGGCGAAGCCCAGCTCCACAGG-3'
Protein context (NP_002589.2, residues 18-38): PAWRLRSEQF[Pro28Ser]SKVGGRPAWL